The following is an entry in ClinVar:

NM_000132.4(F8):c.5143C>T (p.Arg1715Ter)

Gene: F8 (coagulation factor VIII; minus strand). Cytogenetic location: Xq28.
Variant type: single nucleotide variant.
Coding change: c.5143C>T on transcript NM_000132.4 (MANE Select); coding-DNA position 5143, C replaced by T.
Protein change: p.Arg1715Ter; replaces arginine 1715 with a stop codon.
Molecular consequence: nonsense.
Genome position (GRCh38, 1-based): chrX:154,928,647, G>A on the plus strand (C>T on the coding strand, the complement: F8 is on the minus strand). VCF-style: chrX-154928647-G-A. GRCh37 (hg19) VCF-style: chrX-154156922-G-A.
Other names: F8, ARG1696TER; R1696*; short protein forms R1715*.
Identifiers: ClinVar variation 10267 (VCV000010267.11), dbSNP rs137852439, ClinGen allele CA255155.

ClinVar aggregate classification (germline): Pathogenic. Review status: criteria provided, multiple submitters, no conflicts (2 of 4 stars). 5 submissions from 5 submitters: Pathogenic (3). 2 of the submissions do not count toward it. Last evaluated 2025-09-10.

Conditions:
Hereditary factor VIII deficiency disease (HEMA). Also called: HEMOPHILIA, CLASSIC; AUTOSOMAL HEMOPHILIA A; Hemophilia A; Hemophilia A, congenital; HEM A; Factor 8 deficiency, congenital. Identifiers: Orphanet 98878, MedGen C0019069, MONDO:0010602, OMIM 306700.

Allele frequency attached by ClinVar (database versions not stated): TOPMed 0.00005.

Submissions (5):

Genomic Medicine Center of Excellence, King Faisal Specialist Hospital and Research Centre
Classification: Pathogenic for Hereditary factor VIII deficiency disease. Last evaluated: 2025-09-10. Review status: criteria provided, single submitter. Criteria: ACMG Guidelines, 2015. Collection method: clinical testing. Allele origin: germline.

Myriad Genetics, Inc.
Classification: Pathogenic for Hereditary factor VIII deficiency disease. Last evaluated: 2024-07-17. Review status: criteria provided, single submitter. Criteria: Myriad Autosomal Dominant, Autosomal Recessive and X-Linked Classification Criteria (2023). Collection method: clinical testing. Allele origin: unknown.
Comment: NM_000132.3(F8):c.5143C>T(R1715*) is expected to be pathogenic in the context of hemophilia A. This variant is predicted to lead to an abnormal or absent protein product due to the creation of a premature termination codon in F8, a gene where loss-of-function variants are known to be pathogenic. Please note: this variant was assessed in the context of healthy population screening.

ARUP Laboratories, Molecular Genetics and Genomics, ARUP Laboratories
Classification: Pathogenic for Hereditary factor VIII deficiency disease. Last evaluated: 2020-12-18. Review status: criteria provided, single submitter. Criteria: ARUP Molecular Germline Variant Investigation Process 2021. Collection method: clinical testing. Allele origin: germline.
Comment: The F8 c.5243; p.Arg1715Ter variant (rs137852439) is reported in the literature in multiple individuals affected with severe hemophilia A, including one individual in which the variant occurred de novo (see F8 database and references therein, Lu 2018). In vitro functional analyses demonstrate that individuals with this variant have factor VIII activity of <1% (see F8 database). This variant is absent from general population databases (Exome Variant Server, Genome Aggregation Database), indicating it is not a common polymorphism. This variant induces an early termination codon and is predicted to result in a truncated protein or mRNA subject to nonsense-mediated decay. Based on available information, this variant is considered to be pathogenic. References: F8 variant database: Lu Y et al. Spectrum and origin of mutations in sporadic cases of haemophilia A in China. Haemophilia. 2018 Mar;24(2):291-298.

Zotz-Klimas Genetics Lab, MVZ Zotz Klimas
Classification: Pathogenic for Hereditary factor VIII deficiency disease. Last evaluated: 2023-10-09. Review status: no assertion criteria provided. Collection method: clinical testing. Allele origin: germline. Affected: yes. Not counted in ClinVar's aggregate classification.

OMIM
Classification: Pathogenic for HEMOPHILIA A. Last evaluated: 1993-11-01. Review status: no assertion criteria provided. Collection method: literature only. Allele origin: germline. Not counted in ClinVar's aggregate classification.

Literature cited by the submitters: PubMed 1979502 (cited by OMIM); PubMed 8281136 (cited by OMIM).